The following is an entry in ClinVar:

NM_006059.4(LAMC3):c.452G>A (p.Ser151Asn)

Gene: LAMC3 (laminin subunit gamma 3; plus strand). Cytogenetic location: 9q34.12.
Variant type: single nucleotide variant.
Coding change: c.452G>A on transcript NM_006059.4 (MANE Select); coding-DNA position 452, G replaced by A.
Protein change: p.Ser151Asn; replaces serine 151 with asparagine.
Molecular consequence: missense variant.
Genome position (GRCh38, 1-based): chr9:131,026,363, G>A. VCF-style: chr9-131026363-G-A. GRCh37 (hg19) VCF-style: chr9-133901750-G-A.
Other names: short protein forms S151N.
Identifiers: ClinVar variation 1918265 (VCV001918265.5), dbSNP rs891713720, ClinGen allele CA200673766.

ClinVar aggregate classification (germline): Uncertain significance (1 of 4 stars; one submission).

Allele frequency attached by ClinVar (database versions not stated): gnomAD exomes below 0.00001.

Submission:

Labcorp Genetics (formerly Invitae), Labcorp
Classification: Uncertain significance. Last evaluated: 2022-10-17. Review status: criteria provided, single submitter. Criteria: Invitae Variant Classification Sherloc (09022015). Collection method: clinical testing. Allele origin: germline.
Comment: In summary, the available evidence is currently insufficient to determine the role of this variant in disease. Therefore, it has been classified as a Variant of Uncertain Significance. Algorithms developed to predict the effect of missense changes on protein structure and function are either unavailable or do not agree on the potential impact of this missense change (SIFT: "Deleterious"; PolyPhen-2: "Possibly Damaging"; Align-GVGD: "Class C0"). This variant has not been reported in the literature in individuals affected with LAMC3-related conditions. This variant is not present in population databases (gnomAD no frequency). This sequence change replaces serine, which is neutral and polar, with asparagine, which is neutral and polar, at codon 151 of the LAMC3 protein (p.Ser151Asn).